The following is an entry in ClinVar:

ClinVar aggregate classification (germline): Pathogenic. Review status: criteria provided, multiple submitters, no conflicts (2 of 4 stars). 2 submissions from 2 submitters: Pathogenic (2). Last evaluated 2024-05-17.

Conditions:
Inborn genetic diseases. Identifiers: MedGen C0950123, MeSH D030342.

Submissions (2):

GeneDx
Classification: Pathogenic. Last evaluated: 2024-05-17. Review status: criteria provided, single submitter. Criteria: GeneDx Variant Classification Process June 2021. Collection method: clinical testing. Allele origin: germline. Affected: yes.
Comment: Frameshift variant predicted to result in protein truncation, as the last 61 amino acids are replaced with 70 different amino acids, and other loss-of-function variants have been reported downstream in HGMD; Not observed at significant frequency in large population cohorts (gnomAD); This variant is associated with the following publications: (PMID: 35774559)

Ambry Genetics
Classification: Pathogenic for Inborn genetic diseases. Last evaluated: 2022-04-29. Review status: criteria provided, single submitter. Criteria: Ambry Variant Classification Scheme 2023. Collection method: clinical testing. Allele origin: germline.
Comment: The c.464_467delATGG (p.D155Afs*71) alteration, located in exon 6 (coding exon 5) of the CSNK2B gene, consists of a deletion of 4 nucleotides from position 464 to 467, causing a translational frameshift with a predicted alternate stop codon after 71 amino acids. This alteration occurs at the 3' terminus of the CSNK2B gene, is not expected to trigger nonsense-mediated mRNA decay, and impacts the last 28% of the protein. Frameshift variants are typically deleterious in nature, a significant portion of the protein is affected, and other frameshift and truncating alterations downstream have been reported as disease-causing (Li, 2019; Nakashima, 2019). This variant was not reported in population-based cohorts in the Genome Aggregation Database (gnomAD). Based on the available evidence, this alteration is classified as pathogenic.

NM_001320.7(CSNK2B):c.464_467del (p.Asp155fs)

Gene: CSNK2B (casein kinase 2 beta; plus strand). Cytogenetic location: 6p21.33.
Variant type: Deletion.
Coding change: c.464_467del on transcript NM_001320.7 (MANE Select); coding-DNA positions 464 to 467, 4 bases deleted (ATGG; older notation c.464_467delATGG).
Protein change: p.Asp155fs; shifts the reading frame from aspartic acid 155.
Molecular consequence: frameshift variant.
Genome position (GRCh38, 1-based): chr6:31,669,415-31,669,418, ATGG deleted; deleting any 4 consecutive bases within chr6:31,669,413-31,669,418 gives the same sequence; the c. name uses the placement nearest the transcript's 3' end. VCF-style (leftmost placement, unchanged base first): chr6-31669412-CGGAT-C. GRCh37 (hg19) VCF-style: chr6-31637189-CGGAT-C.
Other names: c.455_458del, p.Asp152fs (NM_001282385.2); c.464_467del (NM_001320.6); short protein forms D152fs, D155fs.
Identifiers: ClinVar variation 2285081 (VCV002285081.3), dbSNP rs2536968042, ClinGen allele CA2580074265.